The following is an entry in ClinVar:

ClinVar aggregate classification (germline): Uncertain significance (1 of 4 stars; one submission).

Conditions:
Gorlin syndrome. Also called: Nevoid Basal Cell Carcinoma Syndrome; Basal cell nevus syndrome. Identifiers: Orphanet 377, MedGen C0004779, MONDO:0007187.

Allele frequency attached by ClinVar (database versions not stated): gnomAD 0.00001.
gnomAD v4.1: 1 of 1,609,468 alleles (0.000062%); highest among the groups gnomAD compares: Admixed American, 0.0017%; no homozygotes.

Submission:

Labcorp Genetics (formerly Invitae), Labcorp
Classification: Uncertain significance for Gorlin syndrome. Last evaluated: 2023-11-05. Review status: criteria provided, single submitter. Criteria: Invitae Variant Classification Sherloc (09022015). Collection method: clinical testing. Allele origin: germline.
Comment: This sequence change falls in intron 4 of the PTCH2 gene. It does not directly change the encoded amino acid sequence of the PTCH2 protein. It affects a nucleotide within the consensus splice site. This variant is not present in population databases (gnomAD no frequency). This variant has not been reported in the literature in individuals affected with PTCH2-related conditions. Variants that disrupt the consensus splice site are a relatively common cause of aberrant splicing (PMID: 17576681, 9536098). Algorithms developed to predict the effect of sequence changes on RNA splicing suggest that this variant is not likely to affect RNA splicing. In summary, the available evidence is currently insufficient to determine the role of this variant in disease. Therefore, it has been classified as a Variant of Uncertain Significance.

Literature cited by the submitters: PubMed 17576681; PubMed 9536098.

NM_003738.5(PTCH2):c.525+6T>G

Gene: PTCH2 (patched 2; minus strand). Cytogenetic location: 1p34.1.
Variant type: single nucleotide variant.
Coding change: c.525+6T>G on transcript NM_003738.5 (MANE Select); 6 bases into the intron after coding-DNA position 525, T replaced by G.
Molecular consequence: intron variant.
Genome position (GRCh38, 1-based): chr1:44,831,969, A>C on the plus strand (T>G on the coding strand, the complement: PTCH2 is on the minus strand). VCF-style: chr1-44831969-A-C. GRCh37 (hg19) VCF-style: chr1-45297641-A-C.
Other names: c.525+6T>G (NM_001166292.2).
Identifiers: ClinVar variation 2890985 (VCV002890985.3), dbSNP rs1653471438, ClinGen allele CA2473512490.